The following is an entry in ClinVar:

NM_000143.4(FH):c.1302C>A (p.Cys434Ter)

Gene: FH (fumarate hydratase; minus strand). Cytogenetic location: 1q43.
Variant type: single nucleotide variant.
Coding change: c.1302C>A on transcript NM_000143.4 (MANE Select); coding-DNA position 1302, C replaced by A.
Protein change: p.Cys434Ter; replaces cysteine 434 with a stop codon.
Molecular consequence: nonsense.
Genome position (GRCh38, 1-based): chr1:241,500,525, G>T on the plus strand (C>A on the coding strand, the complement: FH is on the minus strand). VCF-style: chr1-241500525-G-T. GRCh37 (hg19) VCF-style: chr1-241663825-G-T.
Other names: short protein forms C434*.
Identifiers: ClinVar variation 373513 (VCV000373513.1), dbSNP rs2070080, ClinGen allele CA16042384.

ClinVar aggregate classification (germline): Likely pathogenic (1 of 4 stars; one submission).

Submission:

GeneDx
Classification: Likely pathogenic. Last evaluated: 2016-11-17. Review status: criteria provided, single submitter. Criteria: GeneDx Variant Classification (06012015). Collection method: clinical testing. Allele origin: germline. Affected: yes.
Comment: The C434X nonsense variant in the FH gene has not been reported previously as a pathogenic variant, nor as a benign variant, to our knowledge. This variant is predicted to cause loss of normal protein function either through protein truncation or nonsense-mediated mRNA decay. Based on currently available evidence, C434X is a strong candidate for a pathogenic variant. However, the possibility it is a rare benign variant cannot be excluded.